The following is an entry in ClinVar:

NM_170753.3(PGBD3):c.1599T>C (p.Pro533=)

Genes: ERCC6 (ERCC excision repair 6, chromatin remodeling factor; minus strand), PGBD3 (piggyBac transposable element derived 3; minus strand). Cytogenetic location: 10q11.23.
Variant type: single nucleotide variant.
Coding change: c.1599T>C on transcript NM_170753.3; coding-DNA position 1599, T replaced by C.
Protein change: p.Pro533=; no amino-acid change (proline 533 retained).
Molecular consequence: synonymous variant. On other transcripts: intron variant (2).
Genome position (GRCh38, 1-based): chr10:49,515,516, A>G on the plus strand (T>C on the coding strand, the complement: PGBD3 is on the minus strand). VCF-style: chr10-49515516-A-G. GRCh37 (hg19) VCF-style: chr10-50723562-A-G.
Other names: c.3003T>C, p.Pro1001= (NM_001277058.2, NM_001277059.2); c.1397+8517T>C (NM_001346440.2, NM_000124.4).
Identifiers: ClinVar variation 3038133 (VCV003038133.2), dbSNP rs751839495, ClinGen allele CA5496038.

ClinVar aggregate classification (germline): Likely benign (0 of 4 stars; one submission).

Conditions:
PGBD3-related disorder. Also called: PGBD3-related condition.

Allele frequency attached by ClinVar (database versions not stated): gnomAD exomes 0.00001; ExAC 0.00002; gnomAD 0.00009; TOPMed 0.00012.
gnomAD v4.1: 26 of 1,613,970 alleles (0.0016%); highest among the groups gnomAD compares: African/African-American, 0.032%; no homozygotes.

Submission:

PreventionGenetics, part of Exact Sciences
Classification: Likely benign for PGBD3-related condition. Last evaluated: 2019-12-26. Review status: no assertion criteria provided. Collection method: clinical testing. Allele origin: germline.
Comment: This variant is classified as likely benign based on ACMG/AMP sequence variant interpretation guidelines (Richards et al. 2015 PMID: 25741868, with internal and published modifications).